The following is an entry in ClinVar:

NM_000368.5(TSC1):c.518C>A (p.Ala173Glu)

Gene: TSC1 (TSC complex subunit 1; minus strand). Cytogenetic location: 9q34.13.
Variant type: single nucleotide variant.
Coding change: c.518C>A on transcript NM_000368.5 (MANE Select); coding-DNA position 518, C replaced by A.
Protein change: p.Ala173Glu; replaces alanine 173 with glutamic acid.
Molecular consequence: missense variant.
Genome position (GRCh38, 1-based): chr9:132,921,964, G>T on the plus strand (C>A on the coding strand, the complement: TSC1 is on the minus strand). VCF-style: chr9-132921964-G-T. GRCh37 (hg19) VCF-style: chr9-135797351-G-T.
Other names: c.518C>A, p.Ala173Glu (NM_001162426.2, NM_001406592.1, NM_001406593.1 and 16 more transcripts); c.365C>A, p.Ala122Glu (NM_001162427.2, NM_001406610.1, NM_001406611.1 and 2 more transcripts); c.155C>A, p.Ala52Glu (NM_001362177.2, NM_001406614.1, NM_001406615.1 and 10 more transcripts); c.-360C>A (NM_001406626.1, NM_001406627.1, NM_001406628.1); c.-502C>A (NM_001406629.1); c.-576C>A (NM_001406630.1); short protein forms A122E, A173E, A52E.
Identifiers: ClinVar variation 1745900 (VCV001745900.3), dbSNP rs777484049, ClinGen allele CA375372920.

ClinVar aggregate classification (germline): Uncertain significance. Review status: criteria provided, multiple submitters, no conflicts (2 of 4 stars). 2 submissions from 2 submitters: Uncertain significance (2). Last evaluated 2025-07-22.

Conditions:
Hereditary cancer-predisposing syndrome. Also called: Neoplastic Syndromes, Hereditary; Tumor predisposition; Hereditary Cancer Syndrome; Hereditary neoplastic syndrome. Identifiers: Orphanet 140162, MedGen C0027672, MeSH D009386, MONDO:0015356.
Tuberous sclerosis 1 (TSC1). Identifiers: Orphanet 805, MedGen C1854465, MONDO:0008612, OMIM 191100.

Submissions (2):

Labcorp Genetics (formerly Invitae), Labcorp
Classification: Uncertain significance for Tuberous sclerosis 1. Last evaluated: 2025-07-22. Review status: criteria provided, single submitter. Criteria: Invitae Variant Classification Sherloc (09022015). Collection method: clinical testing. Allele origin: germline.
Comment: This sequence change replaces alanine, which is neutral and non-polar, with glutamic acid, which is acidic and polar, at codon 173 of the TSC1 protein (p.Ala173Glu). This variant is not present in population databases (gnomAD no frequency). This variant has not been reported in the literature in individuals affected with TSC1-related conditions. ClinVar contains an entry for this variant (Variation ID: 1745900). Invitae Evidence Modeling of protein sequence and biophysical properties (such as structural, functional, and spatial information, amino acid conservation, physicochemical variation, residue mobility, and thermodynamic stability) indicates that this missense variant is not expected to disrupt TSC1 protein function with a negative predictive value of 95%. In summary, the available evidence is currently insufficient to determine the role of this variant in disease. Therefore, it has been classified as a Variant of Uncertain Significance.

Ambry Genetics
Classification: Uncertain significance for Hereditary cancer-predisposing syndrome. Last evaluated: 2022-07-15. Review status: criteria provided, single submitter. Criteria: Ambry Variant Classification Scheme 2023. Collection method: clinical testing. Allele origin: germline.
Comment: The p.A173E variant (also known as c.518C>A), located in coding exon 5 of the TSC1 gene, results from a C to A substitution at nucleotide position 518. The alanine at codon 173 is replaced by glutamic acid, an amino acid with dissimilar properties. This amino acid position is conserved. In addition, the in silico prediction for this alteration is inconclusive. Since supporting evidence is limited at this time, the clinical significance of this alteration remains unclear.